The following is an entry in ClinVar:

ClinVar aggregate classification (germline): Uncertain significance (1 of 4 stars; one submission).

Conditions:
Neurofibromatosis, type 1 (NF1). Also called: NEUROFIBROMATOSIS, TYPE I, SOMATIC; Peripheral type neurofibromatosis; VON RECKLINGHAUSEN DISEASE; Neurofibromatosis, type I. Identifiers: Orphanet 636, MedGen C0027831, MONDO:0018975, OMIM 162200. Disease mechanism: loss of function.

Submission:

Labcorp Genetics (formerly Invitae), Labcorp
Classification: Uncertain significance for Neurofibromatosis, type 1. Last evaluated: 2025-09-08. Review status: criteria provided, single submitter. Criteria: Invitae Variant Classification Sherloc (09022015). Collection method: clinical testing. Allele origin: germline.
Comment: This sequence change falls in intron 42 of the NF1 gene. It does not directly change the encoded amino acid sequence of the NF1 protein. It affects a nucleotide within the consensus splice site. This variant is not present in population databases (gnomAD no frequency). This variant has not been reported in the literature in individuals affected with NF1-related conditions. ClinVar contains an entry for this variant (Variation ID: 1002219). Variants that disrupt the consensus splice site are a relatively common cause of aberrant splicing (PMID: 17576681, 9536098). Algorithms developed to predict the effect of sequence changes on RNA splicing suggest that this variant is not likely to affect RNA splicing. In summary, the available evidence is currently insufficient to determine the role of this variant in disease. Therefore, it has been classified as a Variant of Uncertain Significance.

Literature cited by the submitters: PubMed 17576681; PubMed 9536098.

NM_001042492.3(NF1):c.6642+6G>A

Gene: NF1 (neurofibromin 1; plus strand). Cytogenetic location: 17q11.2.
Variant type: single nucleotide variant.
Coding change: c.6642+6G>A on transcript NM_001042492.3 (MANE Select); 6 bases into the intron after coding-DNA position 6642, G replaced by A.
Molecular consequence: intron variant.
Genome position (GRCh38, 1-based): chr17:31,337,588, G>A. VCF-style: chr17-31337588-G-A. GRCh37 (hg19) VCF-style: chr17-29664606-G-A.
Other names: c.6579+6G>A (NM_000267.4).
Identifiers: ClinVar variation 1002219 (VCV001002219.5), dbSNP rs2069709590, ClinGen allele CA2255602423.